The following is an entry in ClinVar:

NM_138395.4(MARS2):c.1768G>A (p.Ala590Thr)

Gene: MARS2 (methionyl-tRNA synthetase 2, mitochondrial; plus strand). Cytogenetic location: 2q33.1.
Variant type: single nucleotide variant.
Coding change: c.1768G>A on transcript NM_138395.4 (MANE Select); coding-DNA position 1768, G replaced by A.
Protein change: p.Ala590Thr; replaces alanine 590 with threonine.
Molecular consequence: missense variant.
Genome position (GRCh38, 1-based): chr2:197,707,173, G>A. VCF-style: chr2-197707173-G-A. GRCh37 (hg19) VCF-style: chr2-198571897-G-A.
Other names: short protein forms A590T.
Identifiers: ClinVar variation 3701615 (VCV003701615.2).
Genomic context (GRCh38, chr2:197,707,173, plus strand): 5'-GGACCTGAAACTGGGCTTTTGTTTCCAAGACTAGACCAGTCCAGGACTTGGCTGGTGAAA[G>A]CCCACCGGACCTAGAAACTCAGTTCTTACCGGCTTGTGGTAAAAAAGCAAATGTGTTATC-3'
Protein context (NP_612404.1, residues 580-593): LDQSRTWLVK[Ala590Thr]HRT

ClinVar aggregate classification (germline): Uncertain significance (1 of 4 stars; one submission).

Submission:

Labcorp Genetics (formerly Invitae), Labcorp
Classification: Uncertain significance. Last evaluated: 2024-09-17. Review status: criteria provided, single submitter. Criteria: Invitae Variant Classification Sherloc (09022015). Collection method: clinical testing. Allele origin: germline.
Comment: This sequence change replaces alanine, which is neutral and non-polar, with threonine, which is neutral and polar, at codon 590 of the MARS2 protein (p.Ala590Thr). This variant is not present in population databases (gnomAD no frequency). This variant has not been reported in the literature in individuals affected with MARS2-related conditions. An algorithm developed to predict the effect of missense changes on protein structure and function outputs the following: PolyPhen-2: "Benign". The threonine amino acid residue is found in multiple mammalian species, which suggests that this missense change does not adversely affect protein function. In summary, the available evidence is currently insufficient to determine the role of this variant in disease. Therefore, it has been classified as a Variant of Uncertain Significance.